The following is an entry in ClinVar:

NM_001715.3(BLK):c.1181-1G>A

Gene: BLK (BLK proto-oncogene, Src family tyrosine kinase). Cytogenetic location: 8p23.1.
Variant type: single nucleotide variant.
Coding change: c.1181-1G>A on transcript NM_001715.3 (MANE Select); the canonical splice acceptor site of the intron before coding-DNA position 1181, G replaced by A.
Molecular consequence: splice acceptor variant.
Genome position (GRCh38, 1-based): chr8:11,562,978, G>A. VCF-style: chr8-11562978-G-A. GRCh37 (hg19) VCF-style: chr8-11420487-G-A.
Other names: c.968-1G>A (NM_001330465.2).
Identifiers: ClinVar variation 3701807 (VCV003701807.3).

ClinVar aggregate classification (germline): Uncertain significance (1 of 4 stars; one submission).

gnomAD v4.1: 1 of 1,613,936 alleles (0.000062%); highest among the groups gnomAD compares: African/African-American, 0.0013%; no homozygotes.

Submissions (2):

Labcorp Genetics (formerly Invitae), Labcorp
Classification: Uncertain significance. Last evaluated: 2024-06-13. Review status: criteria provided, single submitter. Criteria: Invitae Variant Classification Sherloc (09022015). Collection method: clinical testing. Allele origin: germline.
Comment: This sequence change affects an acceptor splice site in intron 11 of the BLK gene. It is expected to disrupt RNA splicing. Variants that disrupt the donor or acceptor splice site typically lead to a loss of protein function (PMID: 16199547), however the current clinical and genetic evidence is not sufficient to establish whether loss-of-function variants in BLK cause disease. This variant is present in population databases (no rsID available, gnomAD 0.007%). This variant has not been reported in the literature in individuals affected with BLK-related conditions. Algorithms developed to predict the effect of sequence changes on RNA splicing suggest that this variant may disrupt the consensus splice site. In summary, the available evidence is currently insufficient to determine the role of this variant in disease. Therefore, it has been classified as a Variant of Uncertain Significance.

Dr. Peter K. Rogan Lab, Western University
No classification provided (evidence only). Condition: Melanoma. Review status: no classification provided. Collection method: in vitro. Allele origin: not applicable. Functional consequence: retained intron. Not counted in ClinVar's aggregate classification.

Literature cited by the submitters: PubMed 16199547 (cited by Labcorp Genetics (formerly Invitae), Labcorp).